The following is an entry in ClinVar:

NM_004360.5(CDH1):c.1936+10T>G

Gene: CDH1 (cadherin 1; plus strand). Cytogenetic location: 16q22.1.
Variant type: single nucleotide variant.
Coding change: c.1936+10T>G on transcript NM_004360.5 (MANE Select); 10 bases into the intron after coding-DNA position 1936, T replaced by G.
Molecular consequence: intron variant.
Genome position (GRCh38, 1-based): chr16:68,822,235, T>G. VCF-style: chr16-68822235-T-G. GRCh37 (hg19) VCF-style: chr16-68856138-T-G.
Other names: c.388+10T>G (NM_001317185.2); c.-30+10T>G (NM_001317186.2); c.1753+10T>G (NM_001317184.2).
Identifiers: ClinVar variation 3378655 (VCV003378655.1).

ClinVar aggregate classification (germline): Likely benign (1 of 4 stars; one submission).

Conditions:
Hereditary diffuse gastric adenocarcinoma (HDGC). Also called: DIFFUSE GASTRIC AND LOBULAR BREAST CANCER SYNDROME. Identifiers: Orphanet 26106, MedGen C1708349, MONDO:0007648, OMIM 137215.

Submission:

Myriad Genetics, Inc.
Classification: Likely benign for Hereditary diffuse gastric adenocarcinoma. Last evaluated: 2024-09-20. Review status: criteria provided, single submitter. Criteria: Myriad Autosomal Dominant, Autosomal Recessive and X-Linked Classification Criteria (2023). Collection method: clinical testing. Allele origin: unknown.
Comment: This variant is considered likely benign. This variant is intronic and is not expected to impact mRNA splicing.